The following is an entry in ClinVar:

ClinVar aggregate classification (germline): Conflicting classifications of pathogenicity. Review status: criteria provided, conflicting classifications (1 of 4 stars). 4 submissions from 4 submitters: Uncertain significance (3); Likely benign (1). Last evaluated 2026-02-24.

Conditions:
VCAN-related disorder. Also called: VCAN-related condition.

Allele frequency attached by ClinVar (database versions not stated): gnomAD 0.00006 and 0.00007; TOPMed 0.00007; ESP Exome Variant Server 0.00008; gnomAD exomes 0.00011; ExAC 0.00013.
gnomAD v4.1: 167 of 1,583,662 alleles (0.011%); highest among the groups gnomAD compares: East Asian, 0.052%; 1 homozygote.

Submissions (4):

PreventionGenetics, part of Exact Sciences
Classification: Uncertain significance for VCAN-related condition. Last evaluated: 2026-02-24. Review status: criteria provided, single submitter. Criteria: ACMG Guidelines, 2015. Collection method: clinical testing. Allele origin: germline.
Comment: The VCAN c.4007G>A variant is predicted to result in the amino acid substitution p.Arg1336Gln. To our knowledge, this variant has not been reported in the literature. This variant is reported in 0.032% of alleles in individuals of East Asian descent in gnomAD. Although we suspect that this variant is benign, at this time, the clinical significance of this variant is uncertain due to the absence of conclusive functional and genetic evidence.

Labcorp Genetics (formerly Invitae), Labcorp
Classification: Uncertain significance. Last evaluated: 2025-12-01. Review status: criteria provided, single submitter. Criteria: Invitae Variant Classification Sherloc (09022015). Collection method: clinical testing. Allele origin: germline.
Comment: This sequence change replaces arginine, which is basic and polar, with glutamine, which is neutral and polar, at codon 1336 of the VCAN protein (p.Arg1336Gln). This variant is present in population databases (rs372244245, gnomAD 0.03%). This variant has not been reported in the literature in individuals affected with VCAN-related conditions. ClinVar contains an entry for this variant (Variation ID: 1021566). An algorithm developed to predict the effect of missense changes on protein structure and function (PolyPhen-2) suggests that this variant is likely to be disruptive. In summary, the available evidence is currently insufficient to determine the role of this variant in disease. Therefore, it has been classified as a Variant of Uncertain Significance.

Blueprint Genetics
Classification: Likely benign. Last evaluated: 2024-11-06. Review status: criteria provided, single submitter. Criteria: ACMG Guidelines, 2015. Collection method: clinical testing. Allele origin: germline.

Breakthrough Genomics
Classification: Uncertain significance. Review status: criteria provided, single submitter. Criteria: ACMG Guidelines, 2015. Collection method: not provided. Allele origin: germline. Inheritance: Autosomal dominant inheritance. Affected: yes.

NM_004385.5(VCAN):c.4007G>A (p.Arg1336Gln)

Genes: VCAN (versican; plus strand), VCAN-AS1 (VCAN antisense RNA 1; minus strand). Cytogenetic location: 5q14.3.
Variant type: single nucleotide variant.
Coding change: c.4007G>A on transcript NM_004385.5 (MANE Select); coding-DNA position 4007, G replaced by A.
Protein change: p.Arg1336Gln; replaces arginine 1336 with glutamine.
Molecular consequence: missense variant. On other transcripts: intron variant (2).
Genome position (GRCh38, 1-based): chr5:83,537,010, G>A. VCF-style: chr5-83537010-G-A. GRCh37 (hg19) VCF-style: chr5-82832829-G-A.
Other names: c.4007G>A (NM_004385.4); c.1046G>A, p.Arg349Gln (NM_001164097.2); c.4004-8527G>A (NM_001164098.2); c.1043-8527G>A (NM_001126336.3); short protein forms R1336Q, R349Q.
Identifiers: ClinVar variation 1021566 (VCV001021566.9), dbSNP rs372244245, ClinGen allele CA3333101.
Genomic context (GRCh38, chr5:83,537,010, plus strand): 5'-CTGTCATACACTGCCAAATTTTCTATTTAAGTATTGTGAAAACTCTGTTTTTTTCAGGTC[G>A]AATGAGTGATTTGAGTGTAATTGGTCATCCAATAGATTCAGAATCTAAAGAAGATGAACC-3'
Protein context (NP_004376.2, residues 1326-1346): IIEVRENKTG[Arg1336Gln]MSDLSVIGHP